The following is an entry in ClinVar:

ClinVar aggregate classification (germline): Uncertain significance. Review status: criteria provided, single submitter (1 of 4 stars). 2 submissions from 2 submitters: Uncertain significance (1). 1 of the submissions does not count toward it. Last evaluated 2022-04-22.

Conditions:
PLXNA4-related disorder. Also called: PLXNA4-related condition.

Allele frequency attached by ClinVar (database versions not stated): TOPMed 0.00004; gnomAD 0.00005; gnomAD exomes 0.00005; ExAC 0.00007.

Submissions (2):

Ambry Genetics
Classification: Uncertain significance. Last evaluated: 2022-04-22. Review status: criteria provided, single submitter. Criteria: Ambry Variant Classification Scheme 2023. Collection method: clinical testing. Allele origin: germline.

PreventionGenetics, part of Exact Sciences
Classification: Uncertain significance for PLXNA4-related condition. Last evaluated: 2024-01-25. Review status: no assertion criteria provided. Collection method: clinical testing. Allele origin: germline. Not counted in ClinVar's aggregate classification.
Comment: The PLXNA4 c.1259G>A variant is predicted to result in the amino acid substitution p.Arg420His. To our knowledge, this variant has not been reported in the literature. This variant is reported in 0.013% of alleles in individuals of South Asian descent in gnomAD. At this time, the clinical significance of this variant is uncertain due to the absence of conclusive functional and genetic evidence.

NM_020911.2(PLXNA4):c.1259G>A (p.Arg420His)

Gene: PLXNA4 (plexin A4; minus strand). Cytogenetic location: 7q32.3.
Variant type: single nucleotide variant.
Coding change: c.1259G>A on transcript NM_020911.2 (MANE Select); coding-DNA position 1259, G replaced by A.
Protein change: p.Arg420His; replaces arginine 420 with histidine.
Molecular consequence: missense variant.
Genome position (GRCh38, 1-based): chr7:132,489,404, C>T on the plus strand (G>A on the coding strand, the complement: PLXNA4 is on the minus strand). VCF-style: chr7-132489404-C-T. GRCh37 (hg19) VCF-style: chr7-132174163-C-T.
Other names: c.1259G>A, p.Arg420His (NM_001105543.2, NM_001393897.1, NM_181775.4); short protein forms R420H.
Identifiers: ClinVar variation 2206623 (VCV002206623.4), dbSNP rs778856713, ClinGen allele CA4490327.